The following is an entry in ClinVar:

ClinVar aggregate classification (germline): Likely benign (1 of 4 stars; one submission).

Conditions:
LRSAM1-related disorder. Also called: LRSAM1-related condition.

Submission:

PreventionGenetics, part of Exact Sciences
Classification: Likely benign for LRSAM1-related condition. Last evaluated: 2026-07-27. Review status: criteria provided, single submitter. Criteria: ACMG Guidelines, 2015. Collection method: clinical testing. Allele origin: germline.
Comment: This variant is classified as likely benign based on ACMG/AMP sequence variant interpretation guidelines (Richards et al. 2015 PMID: 25741868, with internal and published modifications).

NM_001005373.4(LRSAM1):c.57G>A (p.Glu19=)

Gene: LRSAM1 (leucine rich repeat and sterile alpha motif containing 1; plus strand). Cytogenetic location: 9q33.3.
Variant type: single nucleotide variant.
Coding change: c.57G>A on transcript NM_001005373.4 (MANE Select); coding-DNA position 57, G replaced by A.
Protein change: p.Glu19=; no amino-acid change (glutamic acid 19 retained).
Molecular consequence: synonymous variant. On other transcripts: 5 prime UTR variant (1), non-coding transcript variant (2).
Genome position (GRCh38, 1-based): chr9:127,454,584, G>A. VCF-style: chr9-127454584-G-A. GRCh37 (hg19) VCF-style: chr9-130216863-G-A.
Other names: c.57G>A, p.Glu19= (NM_001005374.4, NM_001190723.3, NM_001384142.1 and 2 more transcripts); c.-728G>A (NM_001384144.1).
Identifiers: ClinVar variation 4978247 (VCV004978247.1).